The following is an entry in ClinVar:

ClinVar aggregate classification (germline): Benign/Likely benign. Review status: criteria provided, multiple submitters, no conflicts (2 of 4 stars). 4 submissions from 4 submitters: Benign (1); Likely benign (2). 1 of the submissions does not count toward it. Last evaluated 2026-02-03.

Conditions:
Renal cell carcinoma. Identifiers: Orphanet 217071, MedGen C0007134, MeSH D002292, MONDO:0005086, HP:0005584.
MET-related disorder. Also called: MET-related condition.
Hereditary cancer-predisposing syndrome. Also called: Tumor predisposition; Hereditary neoplastic syndrome; Neoplastic Syndromes, Hereditary; Hereditary Cancer Syndrome. Identifiers: Orphanet 140162, MedGen C0027672, MeSH D009386, MONDO:0015356.
Papillary renal cell carcinoma type 1 (RCCP1). Also called: RENAL CELL CARCINOMA, PAPILLARY, 1, SOMATIC; Renal adenocarcinoma; Renal cell carcinoma 1; Renal cell carcinoma, somatic. Identifiers: Orphanet 47044, MedGen C1336839, OMIM 605074, HP:0011797.

Allele frequency attached by ClinVar (database versions not stated): gnomAD exomes 0.00004; ExAC 0.00005; ESP Exome Variant Server 0.00008; TOPMed 0.00009; gnomAD 0.00014; 1000 Genomes Project 0.00040; 1000 Genomes Project 30x 0.00062.
gnomAD v4.1: 58 of 1,614,064 alleles (0.0036%); highest among the groups gnomAD compares: African/African-American, 0.028%; no homozygotes.

Submissions (4):

Labcorp Genetics (formerly Invitae), Labcorp
Classification: Likely benign for Renal cell carcinoma. Last evaluated: 2026-02-03. Review status: criteria provided, single submitter. Criteria: Invitae Variant Classification Sherloc (09022015). Collection method: clinical testing. Allele origin: germline.

Myriad Genetics, Inc.
Classification: Benign for Papillary renal cell carcinoma type 1. Last evaluated: 2024-11-07. Review status: criteria provided, single submitter. Criteria: Myriad Autosomal Dominant, Autosomal Recessive and X-Linked Classification Criteria (2023). Collection method: clinical testing. Allele origin: unknown.
Comment: This variant is considered benign. This variant is a silent/synonymous amino acid change and it is not expected to impact splicing.

Ambry Genetics
Classification: Likely benign for Hereditary cancer-predisposing syndrome. Last evaluated: 2016-07-29. Review status: criteria provided, single submitter. Criteria: Ambry Variant Classification Scheme 2023. Collection method: clinical testing. Allele origin: germline.

PreventionGenetics, part of Exact Sciences
Classification: Likely benign for MET-related condition. Last evaluated: 2023-07-19. Review status: no assertion criteria provided. Collection method: clinical testing. Allele origin: germline. Not counted in ClinVar's aggregate classification.
Comment: This variant is classified as likely benign based on ACMG/AMP sequence variant interpretation guidelines (Richards et al. 2015 PMID: 25741868, with internal and published modifications).

NM_000245.4(MET):c.1233G>A (p.Ala411=)

Gene: MET (MET proto-oncogene, receptor tyrosine kinase; plus strand). Cytogenetic location: 7q31.2.
Variant type: single nucleotide variant.
Coding change: c.1233G>A on transcript NM_000245.4 (MANE Select); coding-DNA position 1233, G replaced by A.
Protein change: p.Ala411=; no amino-acid change (alanine 411 retained).
Molecular consequence: synonymous variant. On other transcripts: 5 prime UTR variant (1).
Genome position (GRCh38, 1-based): chr7:116,731,700, G>A. VCF-style: chr7-116731700-G-A. GRCh37 (hg19) VCF-style: chr7-116371754-G-A.
Other names: c.1233G>A, p.Ala411= (NM_001127500.3, NM_001324401.3); c.-58G>A (NM_001324402.2); c.1233G>A (NM_001127500.2).
Identifiers: ClinVar variation 132773 (VCV000132773.19), dbSNP rs374081963, ClinGen allele CA332115.